The following is an entry in ClinVar:

NM_001130823.3(DNMT1):c.1520C>T (p.Pro507Leu)

Gene: DNMT1 (DNA methyltransferase 1; minus strand). Cytogenetic location: 19p13.2.
Variant type: single nucleotide variant.
Coding change: c.1520C>T on transcript NM_001130823.3 (MANE Select); coding-DNA position 1520, C replaced by T.
Protein change: p.Pro507Leu; replaces proline 507 with leucine.
Molecular consequence: missense variant.
Genome position (GRCh38, 1-based): chr19:10,155,029, G>A on the plus strand (C>T on the coding strand, the complement: DNMT1 is on the minus strand). VCF-style: chr19-10155029-G-A. GRCh37 (hg19) VCF-style: chr19-10265705-G-A.
Other names: c.1472C>T, p.Pro491Leu (NM_001318730.2, NM_001379.4); c.1157C>T, p.Pro386Leu (NM_001318731.2); c.1520C>T (LRG_362t1); short protein forms P386L, P491L, P507L.
Identifiers: ClinVar variation 654394 (VCV000654394.11), dbSNP rs1599366542, ClinGen allele CA403936465.

ClinVar aggregate classification (germline): Conflicting classifications of pathogenicity. Review status: criteria provided, conflicting classifications (1 of 4 stars). 3 submissions from 3 submitters: Pathogenic (1); Uncertain significance (1). 1 of the submissions does not count toward it. Last evaluated 2022-02-03.

Conditions:
Hereditary sensory neuropathy-deafness-dementia syndrome. Also called: Hereditary sensory neuropathy type IE; NEUROPATHY, HEREDITARY SENSORY, WITH HEARING LOSS AND DEMENTIA; Hereditary Sensory and Autonomic Neuropathy Type 1E (HSAN1E); HSN IE. Identifiers: Orphanet 456318, MedGen C3279885, MONDO:0013584, OMIM 614116.
Inborn genetic diseases. Identifiers: MedGen C0950123, MeSH D030342.

Submissions (3):

Labcorp Genetics (formerly Invitae), Labcorp
Classification: Pathogenic for Hereditary sensory neuropathy-deafness-dementia syndrome. Last evaluated: 2022-02-03. Review status: criteria provided, single submitter. Criteria: Invitae Variant Classification Sherloc (09022015). Collection method: clinical testing. Allele origin: germline.
Comment: This variant disrupts the p.Pro507 amino acid residue in DNMT1. Other variant(s) that disrupt this residue have been observed in individuals with DNMT1-related conditions (PMID: 21532572, 24727570, 25678562), which suggests that this may be a clinically significant amino acid residue. For these reasons, this variant has been classified as Pathogenic. Experimental studies have shown that this missense change affects DNMT1 function (PMID: 31049076). Algorithms developed to predict the effect of missense changes on protein structure and function are either unavailable or do not agree on the potential impact of this missense change (SIFT: "Deleterious"; PolyPhen-2: "Probably Damaging"; Align-GVGD: "Class C0"). ClinVar contains an entry for this variant (Variation ID: 654394). This missense change has been observed in individual(s) with hereditary sensory and autonomic neuropathy type 1E (PMID: 25678562; Invitae). In at least one individual the variant was observed to be de novo. This variant is not present in population databases (gnomAD no frequency). This sequence change replaces proline, which is neutral and non-polar, with leucine, which is neutral and non-polar, at codon 507 of the DNMT1 protein (p.Pro507Leu).

Ambry Genetics
Classification: Uncertain significance for Inborn genetic diseases. Last evaluated: 2020-01-16. Review status: criteria provided, single submitter. Criteria: Ambry Variant Classification Scheme 2023. Collection method: clinical testing. Allele origin: germline.
Comment: The p.P491L variant (also known as c.1472C>T), located in coding exon 19 of the DNMT1 gene, results from a C to T substitution at nucleotide position 1472. The proline at codon 491 is replaced by leucine, an amino acid with similar properties. This amino acid position is well conserved in available vertebrate species. In addition, this alteration is predicted to be deleterious by in silico analysis. This alteration was reported in a patient with progressive hearing loss and progressive sensory loss. Nerve conduction studies showed severe pure sensory axonal neuropathy, and a sural nerve biopsy revealed loss of myelinated and unmyelinated fibers. (Baets J et al. Brain, 2015 Apr;138:845-61). Since supporting evidence is limited at this time, the clinical significance of this alteration remains unclear.

Inherited Neuropathy Consortium Ii, University Of Miami
Classification: Uncertain significance for Hereditary sensory neuropathy-deafness-dementia syndrome. Last evaluated: 2016-01-06. Review status: no assertion criteria provided. Collection method: literature only. Allele origin: germline. Affected: yes. Not counted in ClinVar's aggregate classification.

Literature cited by the submitters: PubMed 21532572 (cited by Labcorp Genetics (formerly Invitae), Labcorp); PubMed 24727570 (cited by Labcorp Genetics (formerly Invitae), Labcorp); PubMed 25678562 (cited by 3 submitters); PubMed 31049076 (cited by Labcorp Genetics (formerly Invitae), Labcorp).